The following is an entry in ClinVar:

NM_016151.4(TAOK2):c.1348A>G (p.Thr450Ala)

Gene: TAOK2 (TAO kinase 2; plus strand). Cytogenetic location: 16p11.2.
Variant type: single nucleotide variant.
Coding change: c.1348A>G on transcript NM_016151.4 (MANE Select); coding-DNA position 1348, A replaced by G.
Protein change: p.Thr450Ala; replaces threonine 450 with alanine.
Molecular consequence: missense variant.
Genome position (GRCh38, 1-based): chr16:29,983,590, A>G. VCF-style: chr16-29983590-A-G. GRCh37 (hg19) VCF-style: chr16-29994911-A-G.
Other names: c.1348A>G, p.Thr450Ala (NM_001252043.2, NM_004783.4); short protein forms T450A.
Identifiers: ClinVar variation 1969225 (VCV001969225.5), dbSNP rs138564043, ClinGen allele CA280395304.

ClinVar aggregate classification (germline): Uncertain significance (1 of 4 stars; one submission).

Allele frequency attached by ClinVar (database versions not stated): gnomAD exomes below 0.00001; ESP Exome Variant Server 0.00008.

Submission:

Labcorp Genetics (formerly Invitae), Labcorp
Classification: Uncertain significance. Last evaluated: 2021-12-12. Review status: criteria provided, single submitter. Criteria: Invitae Variant Classification Sherloc (09022015). Collection method: clinical testing. Allele origin: germline.
Comment: In summary, the available evidence is currently insufficient to determine the role of this variant in disease. Therefore, it has been classified as a Variant of Uncertain Significance. Algorithms developed to predict the effect of missense changes on protein structure and function output the following: SIFT: "Tolerated"; PolyPhen-2: "Benign"; Align-GVGD: "Class C0". The alanine amino acid residue is found in multiple mammalian species, which suggests that this missense change does not adversely affect protein function. This variant has not been reported in the literature in individuals affected with TAOK2-related conditions. This variant is not present in population databases (gnomAD no frequency). This sequence change replaces threonine, which is neutral and polar, with alanine, which is neutral and non-polar, at codon 450 of the TAOK2 protein (p.Thr450Ala).